The following is an entry in ClinVar:

ClinVar aggregate classification (germline): Likely benign (1 of 4 stars; one submission).

Submission:

CeGaT Center for Human Genetics Tuebingen
Classification: Likely benign. Last evaluated: 2023-03-01. Review status: criteria provided, single submitter. Criteria: CeGaT Center For Human Genetics Tuebingen Variant Classification Criteria Version 2. Collection method: clinical testing. Allele origin: germline. Affected: yes. Observed: 2 variant alleles.
Comment: QRICH2: BP4, BP7

NM_001388453.1(QRICH2):c.2436G>C (p.Val812=)

Gene: QRICH2 (glutamine rich 2; minus strand). Cytogenetic location: 17q25.1.
Variant type: single nucleotide variant.
Coding change: c.2436G>C on transcript NM_001388453.1 (MANE Select); coding-DNA position 2436, G replaced by C.
Protein change: p.Val812=; no amino-acid change (valine 812 retained).
Molecular consequence: synonymous variant.
Genome position (GRCh38, 1-based): chr17:76,292,291, C>G on the plus strand (G>C on the coding strand, the complement: QRICH2 is on the minus strand). VCF-style: chr17-76292291-C-G. GRCh37 (hg19) VCF-style: chr17-74288372-C-G.
Other names: c.2436G>C, p.Val812= (NM_032134.3).
Identifiers: ClinVar variation 2648310 (VCV002648310.24), dbSNP rs6501877, ClinGen allele CA8784075.
Genomic context (GRCh38, chr17:76,292,291, plus strand): 5'-AACCAAACCACGCTGATCCACTCCAGGTTGGACCAAACCACGCTGAACTGCACCAGGTTG[C>G]ACCAAACCACGCTGAACTGCACCAGGTTGCACCAAACCACGCTGAACTATACCAGGTTGC-3'
Protein context (NP_001375382.1, residues 802-822): VQPGAVQRGL[Val812=]QPGAVQRGLV